The following is an entry in ClinVar:

ClinVar aggregate classification (germline): Uncertain significance (1 of 4 stars; one submission).

Conditions:
Catecholaminergic polymorphic ventricular tachycardia 1. Also called: VENTRICULAR TACHYCARDIA, CATECHOLAMINERGIC POLYMORPHIC, 1, WITH OR WITHOUT ATRIAL DYSFUNCTION AND/OR DILATED CARDIOMYOPATHY; VENTRICULAR TACHYCARDIA, STRESS-INDUCED POLYMORPHIC 1; RYR2-Related Catecholaminergic Polymorphic Ventricular Tachycardia. Identifiers: Orphanet 3286, MedGen C1631597, MONDO:0011484, OMIM 604772.

Submission:

Labcorp Genetics (formerly Invitae), Labcorp
Classification: Uncertain significance for Catecholaminergic polymorphic ventricular tachycardia 1. Last evaluated: 2018-10-06. Review status: criteria provided, single submitter. Criteria: Invitae Variant Classification Sherloc (09022015). Collection method: clinical testing. Allele origin: germline.
Comment: This variant has not been reported in the literature in individuals with TRDN-related disease. Algorithms developed to predict the effect of missense changes on protein structure and function output the following: SIFT: "Tolerated"; PolyPhen-2: "Benign"; Align-GVGD: "Class C0". The glutamine amino acid residue is found in multiple mammalian species, suggesting that this missense change does not adversely affect protein function. These predictions have not been confirmed by published functional studies and their clinical significance is uncertain. In summary, the available evidence is currently insufficient to determine the role of this variant in disease. Therefore, it has been classified as a Variant of Uncertain Significance. This variant is not present in population databases (ExAC no frequency). This sequence change replaces histidine with glutamine at codon 646 of the TRDN protein (p.His646Gln). The histidine residue is moderately conserved and there is a small physicochemical difference between histidine and glutamine.

NM_006073.4(TRDN):c.1938C>A (p.His646Gln)

Gene: TRDN (triadin; minus strand). Cytogenetic location: 6q22.31.
Variant type: single nucleotide variant.
Coding change: c.1938C>A on transcript NM_006073.4 (MANE Select); coding-DNA position 1938, C replaced by A.
Protein change: p.His646Gln; replaces histidine 646 with glutamine.
Molecular consequence: missense variant.
Genome position (GRCh38, 1-based): chr6:123,255,094, G>T on the plus strand (C>A on the coding strand, the complement: TRDN is on the minus strand). VCF-style: chr6-123255094-G-T. GRCh37 (hg19) VCF-style: chr6-123576239-G-T.
Other names: short protein forms H646Q.
Identifiers: ClinVar variation 666140 (VCV000666140.9), dbSNP rs1582782548, ClinGen allele CA365562090.